The following is an entry in ClinVar:

NM_002206.3(ITGA7):c.1567+8C>T

Gene: ITGA7 (integrin subunit alpha 7; minus strand). Cytogenetic location: 12q13.2.
Variant type: single nucleotide variant.
Coding change: c.1567+8C>T on transcript NM_002206.3 (MANE Select); 8 bases into the intron after coding-DNA position 1567, C replaced by T.
Molecular consequence: intron variant.
Genome position (GRCh38, 1-based): chr12:55,697,208, G>A on the plus strand (C>T on the coding strand, the complement: ITGA7 is on the minus strand). VCF-style: chr12-55697208-G-A. GRCh37 (hg19) VCF-style: chr12-56090992-G-A.
Other names: c.1288+8C>T (NM_001144997.2); c.1240+8C>T (NM_001367993.1); c.1228+8C>T (NM_001414035.1); c.1384+8C>T (NM_001414033.1); c.223+8C>T (NM_001367994.1); c.1447+8C>T (NM_001414032.1); c.1480+8C>T (NM_001414031.1); c.1567+8C>T (NM_001374465.1, NM_001414034.1); and 3 more.
Identifiers: ClinVar variation 309790 (VCV000309790.12), dbSNP rs755842392, ClinGen allele CA6615917.

ClinVar aggregate classification (germline): Likely benign. Review status: criteria provided, single submitter (1 of 4 stars). 2 submissions from 2 submitters: Likely benign (1). 1 of the submissions does not count toward it. Last evaluated 2025-09-04.

Conditions:
ITGA7-related disorder. Also called: ITGA7-related condition.
Congenital muscular dystrophy due to integrin alpha-7 deficiency. Also called: MYOPATHY, CONGENITAL, DUE TO INTEGRIN ALPHA-7 DEFICIENCY; Congenital muscular dystrophy with integrin alpha-7 deficiency; Muscular dystrophy, congenital, due to ITGA7 deficiency. Identifiers: Orphanet 34520, MedGen C2750786, MONDO:0013177, OMIM 613204.

Allele frequency attached by ClinVar (database versions not stated): gnomAD 0.00007; gnomAD exomes 0.00007 and 0.00021; TOPMed 0.00007; ExAC 0.00010.
gnomAD v4.1: 305 of 1,593,608 alleles (0.019%); highest among the groups gnomAD compares: Non-Finnish European, 0.025%; no homozygotes.

Submissions (2):

Labcorp Genetics (formerly Invitae), Labcorp
Classification: Likely benign for Congenital muscular dystrophy due to integrin alpha-7 deficiency. Last evaluated: 2025-09-04. Review status: criteria provided, single submitter. Criteria: Invitae Variant Classification Sherloc (09022015). Collection method: clinical testing. Allele origin: germline.

PreventionGenetics, part of Exact Sciences
Classification: Likely benign for ITGA7-related condition. Last evaluated: 2023-07-14. Review status: no assertion criteria provided. Collection method: clinical testing. Allele origin: germline. Not counted in ClinVar's aggregate classification.
Comment: This variant is classified as likely benign based on ACMG/AMP sequence variant interpretation guidelines (Richards et al. 2015 PMID: 25741868, with internal and published modifications).